The following is an entry in ClinVar:

NM_006567.5(FARS2):c.1243C>T (p.Arg415Cys)

Gene: FARS2 (phenylalanyl-tRNA synthetase 2, mitochondrial; plus strand). Cytogenetic location: 6p25.1.
Variant type: single nucleotide variant.
Coding change: c.1243C>T on transcript NM_006567.5 (MANE Select); coding-DNA position 1243, C replaced by T.
Protein change: p.Arg415Cys; replaces arginine 415 with cysteine.
Molecular consequence: missense variant.
Genome position (GRCh38, 1-based): chr6:5,771,316, C>T. VCF-style: chr6-5771316-C-T. GRCh37 (hg19) VCF-style: chr6-5771549-C-T.
Other names: c.1243C>T, p.Arg415Cys (NM_001318872.2, NM_001374875.1, NM_001374876.1 and 4 more transcripts); c.1111C>T, p.Arg371Cys (NM_001375258.1); c.547C>T, p.Arg183Cys (NM_001375259.1, NM_001375260.1); short protein forms R371C, R183C, R415C.
Identifiers: ClinVar variation 967524 (VCV000967524.7), dbSNP rs759833179, ClinGen allele CA3623924.

ClinVar aggregate classification (germline): Uncertain significance. Review status: criteria provided, multiple submitters, no conflicts (2 of 4 stars). 2 submissions from 2 submitters: Uncertain significance (2). Last evaluated 2025-11-17.

Conditions:
Inborn genetic diseases. Identifiers: MedGen C0950123, MeSH D030342.
Combined oxidative phosphorylation defect type 14. Also called: Combined oxidative phosphorylation deficiency 14. Identifiers: Orphanet 319519, MedGen C4755312, MONDO:0013986, OMIM 614946.

Allele frequency attached by ClinVar (database versions not stated): gnomAD 0.00001; ExAC 0.00002; gnomAD exomes 0.00002 and 0.00004; TOPMed 0.00002.

Submissions (2):

Labcorp Genetics (formerly Invitae), Labcorp
Classification: Uncertain significance for Combined oxidative phosphorylation defect type 14. Last evaluated: 2025-11-17. Review status: criteria provided, single submitter. Criteria: Invitae Variant Classification Sherloc (09022015). Collection method: clinical testing. Allele origin: germline.
Comment: This sequence change replaces arginine, which is basic and polar, with cysteine, which is neutral and slightly polar, at codon 415 of the FARS2 protein (p.Arg415Cys). This variant is present in population databases (rs759833179, gnomAD 0.004%). This variant has not been reported in the literature in individuals affected with FARS2-related conditions. ClinVar contains an entry for this variant (Variation ID: 967524). Invitae Evidence Modeling of protein sequence and biophysical properties (such as structural, functional, and spatial information, amino acid conservation, physicochemical variation, residue mobility, and thermodynamic stability) indicates that this missense variant is expected to disrupt FARS2 protein function with a positive predictive value of 95%. In summary, the available evidence is currently insufficient to determine the role of this variant in disease. Therefore, it has been classified as a Variant of Uncertain Significance.

Ambry Genetics
Classification: Uncertain significance for Inborn genetic diseases. Last evaluated: 2022-11-22. Review status: criteria provided, single submitter. Criteria: Ambry Variant Classification Scheme 2023. Collection method: clinical testing. Allele origin: germline.